The following is an entry in ClinVar:

NM_001351132.2(PEX5):c.1819C>G (p.Leu607Val)

Gene: PEX5 (peroxisomal biogenesis factor 5; plus strand). Cytogenetic location: 12p13.31.
Variant type: single nucleotide variant.
Coding change: c.1819C>G on transcript NM_001351132.2 (MANE Select); coding-DNA position 1819, C replaced by G.
Protein change: p.Leu607Val; replaces leucine 607 with valine.
Molecular consequence: missense variant.
Genome position (GRCh38, 1-based): chr12:7,210,122, C>G. VCF-style: chr12-7210122-C-G. GRCh37 (hg19) VCF-style: chr12-7362718-C-G.
Other names: c.1795C>G, p.Leu599Val (NM_000319.5); c.1864C>G, p.Leu622Val (NM_001131023.2); c.1708C>G, p.Leu570Val (NM_001131024.2, NM_001351124.3, NM_001351126.2 and 7 more transcripts); c.1819C>G, p.Leu607Val (NM_001131025.2, NM_001131026.2, NM_001300789.3 and 4 more transcripts); c.1753C>G, p.Leu585Val (NM_001351135.3, NM_001351138.2); c.1810C>G, p.Leu604Val (NM_001351136.2); c.1684C>G, p.Leu562Val (NM_001351139.2, NM_001351140.2, NM_001374649.2); short protein forms L562V, L585V, L607V, L570V, L604V, L622V, L599V.
Identifiers: ClinVar variation 1038953 (VCV001038953.8), dbSNP rs1945371383, ClinGen allele CA383740189.
Genomic context (GRCh38, chr12:7,210,122, plus strand): 5'-AGGAAAAGCCGGGGCCCCCGGGGTGAAGGAGGTGCCATGTCGGAGAACATCTGGAGCACC[C>G]TGCGTTTGGCATTGTCTATGTTAGGCCAGAGCGATGCCTATGGGGCAGCCGACGCGCGGG-3'
Protein context (NP_001338061.1, residues 597-617): GAMSENIWST[Leu607Val]RLALSMLGQS

ClinVar aggregate classification (germline): Uncertain significance (1 of 4 stars; one submission).

Conditions:
Peroxisome biogenesis disorder 2B (PBD2B). Identifiers: Orphanet 44, MedGen C3550234, MONDO:0008736, OMIM 202370.

Submission:

Labcorp Genetics (formerly Invitae), Labcorp
Classification: Uncertain significance for Peroxisome biogenesis disorder 2B. Last evaluated: 2026-01-19. Review status: criteria provided, single submitter. Criteria: Invitae Variant Classification Sherloc (09022015). Collection method: clinical testing. Allele origin: germline.
Comment: This sequence change replaces leucine, which is neutral and non-polar, with valine, which is neutral and non-polar, at codon 607 of the PEX5 protein (p.Leu607Val). This variant is not present in population databases (gnomAD no frequency). This variant has not been reported in the literature in individuals affected with PEX5-related conditions. ClinVar contains an entry for this variant (Variation ID: 1038953). Invitae Evidence Modeling of protein sequence and biophysical properties (such as structural, functional, and spatial information, amino acid conservation, physicochemical variation, residue mobility, and thermodynamic stability) indicates that this missense variant is not expected to disrupt PEX5 protein function with a negative predictive value of 80%. Algorithms developed to predict the effect of sequence changes on RNA splicing suggest that this variant may create or strengthen a splice site. In summary, the available evidence is currently insufficient to determine the role of this variant in disease. Therefore, it has been classified as a Variant of Uncertain Significance.